The following is an entry in ClinVar:

ClinVar aggregate classification (germline): Uncertain significance (1 of 4 stars; one submission).

gnomAD v4.1: 4 of 1,614,208 alleles (0.00025%); highest among the groups gnomAD compares: Non-Finnish European, 0.00034%; no homozygotes.

Submission:

Labcorp Genetics (formerly Invitae), Labcorp
Classification: Uncertain significance. Last evaluated: 2021-08-11. Review status: criteria provided, single submitter. Criteria: Invitae Variant Classification Sherloc (09022015). Collection method: clinical testing. Allele origin: germline.
Comment: This sequence change replaces glutamine with arginine at codon 155 of the UNC45A protein (p.Gln155Arg). The glutamine residue is highly conserved and there is a small physicochemical difference between glutamine and arginine. This variant is not present in population databases (ExAC no frequency). In summary, the available evidence is currently insufficient to determine the role of this variant in disease. Therefore, it has been classified as a Variant of Uncertain Significance. Algorithms developed to predict the effect of missense changes on protein structure and function are either unavailable or do not agree on the potential impact of this missense change (SIFT: "Not Available"; PolyPhen-2: "Possibly Damaging"; Align-GVGD: "Not Available"). This variant has not been reported in the literature in individuals affected with UNC45A-related conditions.

NM_018671.5(UNC45A):c.464A>G (p.Gln155Arg)

Gene: UNC45A (unc-45 myosin chaperone A; plus strand). Cytogenetic location: 15q26.1.
Variant type: single nucleotide variant.
Coding change: c.464A>G on transcript NM_018671.5 (MANE Select); coding-DNA position 464, A replaced by G.
Protein change: p.Gln155Arg; replaces glutamine 155 with arginine.
Molecular consequence: missense variant.
Genome position (GRCh38, 1-based): chr15:90,939,768, A>G. VCF-style: chr15-90939768-A-G. GRCh37 (hg19) VCF-style: chr15-91482998-A-G.
Other names: c.419A>G, p.Gln140Arg (NM_001039675.2, NM_001323621.2); c.464A>G, p.Gln155Arg (NM_001323619.1); c.29A>G, p.Gln10Arg (NM_001323620.2); short protein forms Q155R, Q140R, Q10R.
Identifiers: ClinVar variation 1374360 (VCV001374360.6), dbSNP rs2151358965, ClinGen allele CA393848586.